The following is an entry in ClinVar:

ClinVar aggregate classification (germline): Uncertain significance (1 of 4 stars; one submission).

Submission:

Labcorp Genetics (formerly Invitae), Labcorp
Classification: Uncertain significance. Last evaluated: 2022-08-09. Review status: criteria provided, single submitter. Criteria: Invitae Variant Classification Sherloc (09022015). Collection method: clinical testing. Allele origin: germline.
Comment: This variant has not been reported in the literature in individuals affected with RAI1-related conditions. This variant is not present in population databases (gnomAD no frequency). This sequence change replaces glutamine, which is neutral and polar, with glutamic acid, which is acidic and polar, at codon 418 of the RAI1 protein (p.Gln418Glu). ClinVar contains an entry for this variant (Variation ID: 1382712). In summary, the available evidence is currently insufficient to determine the role of this variant in disease. Therefore, it has been classified as a Variant of Uncertain Significance. Algorithms developed to predict the effect of missense changes on protein structure and function (SIFT, PolyPhen-2, Align-GVGD) all suggest that this variant is likely to be tolerated.

NM_030665.4(RAI1):c.1252C>G (p.Gln418Glu)

Gene: RAI1 (retinoic acid induced 1; plus strand). Cytogenetic location: 17p11.2.
Variant type: single nucleotide variant.
Coding change: c.1252C>G on transcript NM_030665.4 (MANE Select); coding-DNA position 1252, C replaced by G.
Protein change: p.Gln418Glu; replaces glutamine 418 with glutamic acid.
Molecular consequence: missense variant.
Genome position (GRCh38, 1-based): chr17:17,794,200, C>G. VCF-style: chr17-17794200-C-G. GRCh37 (hg19) VCF-style: chr17-17697514-C-G.
Other names: short protein forms Q418E.
Identifiers: ClinVar variation 1382712 (VCV001382712.8), dbSNP rs2143001873, ClinGen allele CA398547233.